The following is an entry in ClinVar:

NM_207346.3(TSEN54):c.1239G>C (p.Gln413His)

Gene: TSEN54 (tRNA splicing endonuclease subunit 54; plus strand). Cytogenetic location: 17q25.1.
Variant type: single nucleotide variant.
Coding change: c.1239G>C on transcript NM_207346.3 (MANE Select); coding-DNA position 1239, G replaced by C.
Protein change: p.Gln413His; replaces glutamine 413 with histidine.
Molecular consequence: missense variant.
Genome position (GRCh38, 1-based): chr17:75,522,320, G>C. VCF-style: chr17-75522320-G-C. GRCh37 (hg19) VCF-style: chr17-73518401-G-C.
Other names: short protein forms Q413H.
Identifiers: ClinVar variation 1476152 (VCV001476152.6), dbSNP rs2147013922, ClinGen allele CA401030148.
Genomic context (GRCh38, chr17:75,522,320, plus strand): 5'-CCAGCGCCGGGCCCCTCACCTGTGGGGCCAGCCCGTCACCCCGCTGCTGAGTCCTGGCCA[G>C]GCCAGCTCCCCAGGTACCCCCTCAGCCTGCCACATCTTCGAGGGCCACTGGCAGCTGAGG-3'
Protein context (NP_997229.2, residues 403-423): QPVTPLLSPG[Gln413His]ASSPAVVLQH

ClinVar aggregate classification (germline): Uncertain significance (1 of 4 stars; one submission).

Submission:

Labcorp Genetics (formerly Invitae), Labcorp
Classification: Uncertain significance. Last evaluated: 2021-12-02. Review status: criteria provided, single submitter. Criteria: Invitae Variant Classification Sherloc (09022015). Collection method: clinical testing. Allele origin: germline.
Comment: In summary, the available evidence is currently insufficient to determine the role of this variant in disease. Therefore, it has been classified as a Variant of Uncertain Significance. Algorithms developed to predict the effect of missense changes on protein structure and function output the following: SIFT: "Tolerated"; PolyPhen-2: "Benign"; Align-GVGD: "Class C0". The histidine amino acid residue is found in multiple mammalian species, which suggests that this missense change does not adversely affect protein function. This variant has not been reported in the literature in individuals affected with TSEN54-related conditions. This variant is not present in population databases (gnomAD no frequency). This sequence change replaces glutamine, which is neutral and polar, with histidine, which is basic and polar, at codon 413 of the TSEN54 protein (p.Gln413His).